The following is an entry in ClinVar:

ClinVar aggregate classification (germline): Uncertain significance (1 of 4 stars; one submission).

Conditions:
Inborn genetic diseases. Identifiers: MedGen C0950123, MeSH D030342.

gnomAD v4.1: 2 of 1,534,212 alleles (0.00013%); highest among the groups gnomAD compares: Admixed American, 0.0018%; no homozygotes.

Submission:

Ambry Genetics
Classification: Uncertain significance for Inborn genetic diseases. Last evaluated: 2026-07-29. Review status: criteria provided, single submitter. Criteria: Ambry Variant Classification Scheme 2023. Collection method: clinical testing. Allele origin: germline.
Comment: The c.815C>T (p.T272M) alteration is located in exon 8 (coding exon 8) of the TCF7L2 gene. This alteration results from a C to T substitution at nucleotide position 815, causing the threonine (T) at amino acid position 272 to be replaced by a methionine (M). Based on data from gnomAD, the T allele has an overall frequency of <0.001% (1/251160) total alleles studied. The highest observed frequency was 0.001% (1/113712) of European (non-Finnish) alleles. Based on insufficient or conflicting evidence, the clinical significance of this alteration remains unclear.

NM_001367943.1(TCF7L2):c.815C>T (p.Thr272Met)

Gene: TCF7L2 (transcription factor 7 like 2; plus strand). Cytogenetic location: 10q25.3.
Variant type: single nucleotide variant.
Coding change: c.815C>T on transcript NM_001367943.1 (MANE Select); coding-DNA position 815, C replaced by T.
Protein change: p.Thr272Met; replaces threonine 272 with methionine.
Molecular consequence: missense variant.
Genome position (GRCh38, 1-based): chr10:113,146,037, C>T. VCF-style: chr10-113146037-C-T. GRCh37 (hg19) VCF-style: chr10-114905796-C-T.
Other names: c.815C>T, p.Thr272Met (NM_001146274.2, NM_001198531.2, NM_001363501.2); c.887C>T, p.Thr296Met (NM_001146283.2); c.734C>T, p.Thr245Met (NM_001146284.2, NM_001198527.2); c.746C>T, p.Thr249Met (NM_001146285.2, NM_001146286.2, NM_001198525.2 and 4 more transcripts); c.644C>T, p.Thr215Met (NM_001198530.2); c.386C>T, p.Thr129Met (NM_001349870.2); c.266C>T, p.Thr89Met (NM_001349871.1); short protein forms T129M, T215M, T249M, T296M, T89M, T272M, T245M.
Identifiers: ClinVar variation 5030581 (VCV005030581.1).
Genomic context (GRCh38, chr10:113,146,037, plus strand): 5'-TTCAAGTCTCTTACTTTGTACCCCTTCTTTGTAGGCAAGGTCAACCAGTGTACCCAATCA[C>T]GACAGGAGGATTCAGACACCCCTACCCCACAGCTCTGACCGTCAATGCTTCCATGTCCAG-3'
Protein context (NP_001354872.1, residues 262-282): PQQGQPVYPI[Thr272Met]TGGFRHPYPT